The following is an entry in ClinVar:

NM_005004.4(NDUFB8):c.541del (p.Val181fs)

Gene: NDUFB8 (NADH:ubiquinone oxidoreductase subunit B8; minus strand). Cytogenetic location: 10q24.31.
Variant type: Deletion.
Coding change: c.541del on transcript NM_005004.4 (MANE Select); coding-DNA position 541, one base deleted (G; older notation c.541delG).
Protein change: p.Val181fs; shifts the reading frame from valine 181.
Molecular consequence: frameshift variant. On other transcripts: 3 prime UTR variant (1).
Genome position (GRCh38, 1-based): chr10:100,523,857, C deleted on the plus strand (G on the coding strand, the reverse complement: NDUFB8 is on the minus strand); the first of 3 consecutive C bases (chr10:100,523,857-100,523,859); deleting any one gives the same sequence. VCF-style (leftmost placement, unchanged base first): chr10-100523856-AC-A. GRCh37 (hg19) VCF-style: chr10-102283613-AC-A.
Other names: c.*232del (NM_001284367.2); c.448del, p.Val150fs (NM_001284368.1); short protein forms V150fs, V181fs.
Identifiers: ClinVar variation 4056645 (VCV004056645.1).

ClinVar aggregate classification (germline): Uncertain significance (1 of 4 stars; one submission).

Conditions:
Mitochondrial complex I deficiency, nuclear type 32. Also called: Mitochondrial complex 1 deficiency, nuclear type 32. Identifiers: MedGen C4748839, MONDO:0032635, OMIM 618252.

Submission:

Laboratorio de Genetica e Diagnostico Molecular, Hospital Israelita Albert Einstein
Classification: Uncertain significance for Mitochondrial complex I deficiency, nuclear type 32. Last evaluated: 2024-08-06. Review status: criteria provided, single submitter. Criteria: ACMG Guidelines, 2015. Collection method: clinical testing. Allele origin: germline. Affected: yes.
Comment: ACMG classification criteria: PVS1 moderate, PM2 supporting